The following is an entry in ClinVar:

NM_015158.5(KANK1):c.3609G>A (p.Ala1203=)

Gene: KANK1 (KN motif and ankyrin repeat domains 1; plus strand). Cytogenetic location: 9p24.3.
Variant type: single nucleotide variant.
Coding change: c.3609G>A on transcript NM_015158.5 (MANE Select); coding-DNA position 3609, G replaced by A.
Protein change: p.Ala1203=; no amino-acid change (alanine 1203 retained).
Molecular consequence: synonymous variant. On other transcripts: non-coding transcript variant (1).
Genome position (GRCh38, 1-based): chr9:740,847, G>A. VCF-style: chr9-740847-G-A. GRCh37 (hg19) VCF-style: chr9-740847-G-A.
Other names: c.3609G>A, p.Ala1203= (NM_001256876.3, NM_001256877.3, NM_001354334.2); c.3369G>A, p.Ala1123= (NM_001354331.2); c.3555G>A, p.Ala1185= (NM_001354332.2); c.3135G>A, p.Ala1045= (NM_001354333.2, NM_001354335.2, NM_001354337.2 and 2 more transcripts); c.2841G>A, p.Ala947= (NM_001354336.2); c.3081G>A, p.Ala1027= (NM_001354338.2, NM_001354340.2, NM_001354344.2); c.2895G>A, p.Ala965= (NM_001354339.2, NM_001354342.2, NM_001354343.2).
Identifiers: ClinVar variation 788824 (VCV000788824.36), dbSNP rs114625699, ClinGen allele CA4961061.

ClinVar aggregate classification (germline): Benign/Likely benign. Review status: criteria provided, multiple submitters, no conflicts (2 of 4 stars). 7 submissions from 7 submitters: Benign (2); Likely benign (2). 3 of the submissions do not count toward it. Last evaluated 2026-09-01.

Conditions:
KANK1-related disorder. Also called: KANK1-related condition.

Allele frequency attached by ClinVar (database versions not stated): 1000 Genomes Project 0.00160; 1000 Genomes Project 30x 0.00187; gnomAD 0.00192; TOPMed 0.00232; ExAC 0.00244; ESP Exome Variant Server 0.00254.
gnomAD v4.1: 4,004 of 1,613,944 alleles (0.25%); highest among the groups gnomAD compares: Middle Eastern, 0.4%; 4 homozygotes.

Submissions (7):

CeGaT Center for Human Genetics Tuebingen
Classification: Likely benign. Last evaluated: 2026-09-01. Review status: criteria provided, single submitter. Criteria: CeGaT Center For Human Genetics Tuebingen Variant Classification Criteria Version 2. Collection method: clinical testing. Allele origin: germline. Affected: yes. Observed: 22 variant alleles.
Comment: KANK1: BP4, BP7

Labcorp Genetics (formerly Invitae), Labcorp
Classification: Benign. Last evaluated: 2026-01-26. Review status: criteria provided, single submitter. Criteria: Invitae Variant Classification Sherloc (09022015). Collection method: clinical testing. Allele origin: germline.

Blueprint Genetics
Classification: Likely benign. Last evaluated: 2024-11-20. Review status: criteria provided, single submitter. Criteria: ACMG Guidelines, 2015. Collection method: clinical testing. Allele origin: germline.

Breakthrough Genomics
Classification: Benign. Review status: criteria provided, single submitter. Criteria: ACMG Guidelines, 2015. Collection method: not provided. Allele origin: germline. Inheritance: Unknown mechanism. Affected: yes.

PreventionGenetics, part of Exact Sciences
Classification: Likely benign for KANK1-related condition. Last evaluated: 2020-12-21. Review status: no assertion criteria provided. Collection method: clinical testing. Allele origin: germline. Not counted in ClinVar's aggregate classification.
Comment: This variant is classified as likely benign based on ACMG/AMP sequence variant interpretation guidelines (Richards et al. 2015 PMID: 25741868, with internal and published modifications).

Clinical Genetics DNA and cytogenetics Diagnostics Lab, Erasmus MC, Erasmus Medical Center
Classification: Likely benign. Review status: no assertion criteria provided. Collection method: clinical testing. Allele origin: germline. Affected: yes. Study: VKGL Data-share Consensus. Not counted in ClinVar's aggregate classification.

Genome Diagnostics Laboratory, University Medical Center Utrecht
Classification: Likely benign. Review status: no assertion criteria provided. Collection method: clinical testing. Allele origin: germline. Affected: yes. Study: VKGL Data-share Consensus. Not counted in ClinVar's aggregate classification.